The following is an entry in ClinVar:

NM_015512.5(DNAH1):c.7334A>G (p.Lys2445Arg)

Gene: DNAH1 (dynein axonemal heavy chain 1; plus strand). Cytogenetic location: 3p21.1.
Variant type: single nucleotide variant.
Coding change: c.7334A>G on transcript NM_015512.5 (MANE Select); coding-DNA position 7334, A replaced by G.
Protein change: p.Lys2445Arg; replaces lysine 2445 with arginine.
Molecular consequence: missense variant.
Genome position (GRCh38, 1-based): chr3:52,378,737, A>G. VCF-style: chr3-52378737-A-G. GRCh37 (hg19) VCF-style: chr3-52412753-A-G.
Other names: short protein forms K2445R.
Identifiers: ClinVar variation 2185561 (VCV002185561.4), dbSNP rs780905561, ClinGen allele CA2434851.

ClinVar aggregate classification (germline): Uncertain significance (1 of 4 stars; one submission).

Conditions:
Ciliary dyskinesia, primary, 37 (CILD37). Also called: CILIARY DYSKINESIA, PRIMARY, 37, WITH OR WITHOUT SITUS INVERSUS. Identifiers: MedGen C4539798, MONDO:0033204, OMIM 617577.
Spermatogenic failure 18. Identifiers: MedGen C4539783, MONDO:0054615, OMIM 617576.

Allele frequency attached by ClinVar (database versions not stated): ExAC 0.00001; gnomAD 0.00001; gnomAD exomes 0.00001; TOPMed 0.00003.
gnomAD v4.1: 6 of 1,613,594 alleles (0.00037%); highest among the groups gnomAD compares: Admixed American, 0.005%; no homozygotes.

Submission:

Labcorp Genetics (formerly Invitae), Labcorp
Classification: Uncertain significance for Ciliary dyskinesia, primary, 37; Spermatogenic failure 18. Last evaluated: 2022-02-12. Review status: criteria provided, single submitter. Criteria: Invitae Variant Classification Sherloc (09022015). Collection method: clinical testing. Allele origin: germline.
Comment: In summary, the available evidence is currently insufficient to determine the role of this variant in disease. Therefore, it has been classified as a Variant of Uncertain Significance. Algorithms developed to predict the effect of missense changes on protein structure and function are either unavailable or do not agree on the potential impact of this missense change (SIFT: "Deleterious"; PolyPhen-2: "Possibly Damaging"; Align-GVGD: "Class C0"). This variant has not been reported in the literature in individuals affected with DNAH1-related conditions. This variant is present in population databases (rs780905561, gnomAD 0.006%). This sequence change replaces lysine, which is basic and polar, with arginine, which is basic and polar, at codon 2445 of the DNAH1 protein (p.Lys2445Arg).